The following is an entry in ClinVar:

ClinVar aggregate classification (germline): Uncertain significance. Review status: criteria provided, multiple submitters, no conflicts (2 of 4 stars). 4 submissions from 4 submitters: Uncertain significance (4). Last evaluated 2024-11-17.

Conditions:
Familial adenomatous polyposis 1 (FAP1). Also called: FAMILIAL ADENOMATOUS POLYPOSIS 1, ATTENUATED; POLYPOSIS, ADENOMATOUS INTESTINAL. Identifiers: MedGen C2713442, MONDO:0021056, OMIM 175100. Disease mechanism: loss of function.
Hereditary cancer-predisposing syndrome. Also called: Neoplastic Syndromes, Hereditary; Hereditary Cancer Syndrome; Tumor predisposition; Hereditary neoplastic syndrome. Identifiers: Orphanet 140162, MedGen C0027672, MeSH D009386, MONDO:0015356.

gnomAD v4.1: 1 of 1,612,416 alleles (0.000062%); highest among the groups gnomAD compares: Non-Finnish European, 0.000085%; no homozygotes.

Submissions (4):

GeneDx
Classification: Uncertain significance. Last evaluated: 2024-11-17. Review status: criteria provided, single submitter. Criteria: GeneDx Variant Classification Process June 2021. Collection method: clinical testing. Allele origin: germline. Affected: yes.
Comment: Not observed at significant frequency in large population cohorts (gnomAD); In silico analysis supports that this missense variant has a deleterious effect on protein structure/function; Has not been previously published as pathogenic or benign to our knowledge; This variant is associated with the following publications: (PMID: 38361727)

Labcorp Genetics (formerly Invitae), Labcorp
Classification: Uncertain significance for Familial adenomatous polyposis 1. Last evaluated: 2024-03-24. Review status: criteria provided, single submitter. Criteria: Invitae Variant Classification Sherloc (09022015). Collection method: clinical testing. Allele origin: germline.
Comment: This sequence change replaces proline, which is neutral and non-polar, with alanine, which is neutral and non-polar, at codon 441 of the APC protein (p.Pro441Ala). This variant is not present in population databases (gnomAD no frequency). This variant has not been reported in the literature in individuals affected with APC-related conditions. ClinVar contains an entry for this variant (Variation ID: 928899). Advanced modeling of protein sequence and biophysical properties (such as structural, functional, and spatial information, amino acid conservation, physicochemical variation, residue mobility, and thermodynamic stability) performed at Invitae indicates that this missense variant is not expected to disrupt APC protein function with a negative predictive value of 95%. In summary, the available evidence is currently insufficient to determine the role of this variant in disease. Therefore, it has been classified as a Variant of Uncertain Significance.

Ambry Genetics
Classification: Uncertain significance for Hereditary cancer-predisposing syndrome. Last evaluated: 2022-04-12. Review status: criteria provided, single submitter. Criteria: Ambry Variant Classification Scheme 2023. Collection method: clinical testing. Allele origin: germline.
Comment: The p.P441A variant (also known as c.1321C>G), located in coding exon 10 of the APC gene, results from a C to G substitution at nucleotide position 1321. The proline at codon 441 is replaced by alanine, an amino acid with highly similar properties. This amino acid position is conserved. In addition, in silico predictors for this gene do not accurately predict pathogenicity. Since supporting evidence is limited at this time, the clinical significance of this alteration remains unclear.

Women's Health and Genetics/Laboratory Corporation of America, LabCorp
Classification: Uncertain significance. Last evaluated: 2019-01-14. Review status: criteria provided, single submitter. Criteria: LabCorp Variant Classification Summary - May 2015. Collection method: clinical testing. Allele origin: germline.
Comment: Variant summary: APC c.1321C>G (p.Pro441Ala) results in a non-conservative amino acid change in the encoded protein sequence. Three of five in-silico tools predict a benign effect of the variant on protein function. The variant was absent in 245278 control chromosomes (gnomAD). The available data on variant occurrences in the general population are insufficient to allow any conclusion about variant significance. To our knowledge, no occurrence of c.1321C>G in individuals affected with Familial Adenomatous Polyposis and no experimental evidence demonstrating its impact on protein function have been reported. No clinical diagnostic laboratories have submitted clinical-significance assessments for this variant to ClinVar after 2014. Based on the evidence outlined above, the variant was classified as uncertain significance.

NM_000038.6(APC):c.1321C>G (p.Pro441Ala)

Gene: APC (APC regulator of Wnt signaling pathway; plus strand). Cytogenetic location: 5q22.2.
Variant type: single nucleotide variant.
Coding change: c.1321C>G on transcript NM_000038.6 (MANE Select); coding-DNA position 1321, C replaced by G.
Protein change: p.Pro441Ala; replaces proline 441 with alanine.
Molecular consequence: missense variant.
Genome position (GRCh38, 1-based): chr5:112,821,904, C>G. VCF-style: chr5-112821904-C-G. GRCh37 (hg19) VCF-style: chr5-112157601-C-G.
Other names: c.1321C>G, p.Pro441Ala (NM_001127510.3, NM_001354895.2, NM_001354896.2); c.1267C>G, p.Pro423Ala (NM_001127511.3); c.1351C>G, p.Pro451Ala (NM_001354897.2); c.1246C>G, p.Pro416Ala (NM_001354898.2); c.1237C>G, p.Pro413Ala (NM_001354899.2); c.1144C>G, p.Pro382Ala (NM_001354900.2, NM_001354901.2); c.1048C>G, p.Pro350Ala (NM_001354902.2); c.1018C>G, p.Pro340Ala (NM_001354903.2); and 3 more; short protein forms P158A, P281A, P315A, P340A, P350A, P382A, P413A, P416A.
Identifiers: ClinVar variation 928899 (VCV000928899.15), dbSNP rs1444245614, ClinGen allele CA16024198.